The following is an entry in ClinVar:

ClinVar aggregate classification (germline): Pathogenic (1 of 4 stars; one submission).

Conditions:
GLUT1 deficiency syndrome 1, autosomal recessive. Identifiers: MedGen C3149117.

Submission:

Labcorp Genetics (formerly Invitae), Labcorp
Classification: Pathogenic for GLUT1 deficiency syndrome 1, autosomal recessive. Last evaluated: 2023-07-14. Review status: criteria provided, single submitter. Criteria: Invitae Variant Classification Sherloc (09022015). Collection method: clinical testing. Allele origin: germline.
Comment: This variant is not present in population databases (gnomAD no frequency). For these reasons, this variant has been classified as Pathogenic. This variant disrupts a region of the SLC2A1 protein in which other variant(s) (p.Ser324Leu) have been determined to be pathogenic (PMID: 19798636, 20574033, 25099510). This suggests that this is a clinically significant region of the protein, and that variants that disrupt it are likely to be disease-causing. Variants that disrupt the consensus splice site are a relatively common cause of aberrant splicing (PMID: 17576681, 9536098). Algorithms developed to predict the effect of sequence changes on RNA splicing suggest that this variant may disrupt the consensus splice site. ClinVar contains an entry for this variant (Variation ID: 971358). This variant is also known as c.970_972+3del. This variant has not been reported in the literature in individuals affected with SLC2A1-related conditions. This variant, c.967_972del, results in the deletion of 2 amino acid(s) of the SLC2A1 protein (p.Val323_Ser324del), but otherwise preserves the integrity of the reading frame. This variant also falls at the last nucleotide of exon 7, which is part of the consensus splice site for this exon.

Literature cited by the submitters: PubMed 19798636; PubMed 20574033; PubMed 25099510; PubMed 17576681; PubMed 9536098.

NM_006516.4(SLC2A1):c.970_972+3del

Gene: SLC2A1 (solute carrier family 2 member 1; minus strand). Cytogenetic location: 1p34.2.
Variant type: Deletion.
Coding change: c.970_972+3del on transcript NM_006516.4 (MANE Select); coding-DNA position 970 through 3 bases into the intron after coding-DNA position 972, 6 bases deleted (TCGGTG; older notation c.970_972+3delTCGGTG).
Molecular consequence: splice donor variant.
Genome position (GRCh38, 1-based): chr1:42,929,207-42,929,212, CACCGA deleted on the plus strand (TCGGTG on the coding strand, the reverse complement: SLC2A1 is on the minus strand); deleting any 6 consecutive bases within chr1:42,929,207-42,929,215 gives the same sequence; the c. name uses the placement nearest the transcript's 3' end. VCF-style (leftmost placement, unchanged base first): chr1-42929206-TCACCGA-T. GRCh37 (hg19) VCF-style: chr1-43394877-TCACCGA-T.
Identifiers: ClinVar variation 971358 (VCV000971358.8), dbSNP rs1643459989, ClinGen allele CA1139656058.
Genomic context (GRCh38, chr1:42,929,206, plus strand): 5'-TGGGGAAGATGGCACTGCCTCCTCCCTGGGGTTTGGCTGGGGGGGCCAGTAAGCAAAGAC[TCACCGA>T]CACGACAGTGAAGGCCGTGTTGACGATACCGGAGCCAATGGTGGCATACACAGGCTGCTG-3'